The following is an entry in ClinVar:

NM_001177693.2(ARHGEF28):c.3083G>A (p.Arg1028His)

Gene: ARHGEF28 (Rho guanine nucleotide exchange factor 28; plus strand). Cytogenetic location: 5q13.2.
Variant type: single nucleotide variant.
Coding change: c.3083G>A on transcript NM_001177693.2 (MANE Select); coding-DNA position 3083, G replaced by A.
Protein change: p.Arg1028His; replaces arginine 1028 with histidine.
Molecular consequence: missense variant.
Genome position (GRCh38, 1-based): chr5:73,885,877, G>A. VCF-style: chr5-73885877-G-A. GRCh37 (hg19) VCF-style: chr5-73181702-G-A.
Other names: c.3083G>A, p.Arg1028His (NM_001080479.3, NM_001388078.1); c.2144G>A, p.Arg715His (NM_001244364.2); c.2789G>A, p.Arg930His (NM_001388076.1); short protein forms R1028H, R715H, R930H.
Identifiers: ClinVar variation 2211247 (VCV002211247.5), dbSNP rs199636589, ClinGen allele CA3304999.

ClinVar aggregate classification (germline): Uncertain significance. Review status: criteria provided, single submitter (1 of 4 stars). 2 submissions from 2 submitters: Uncertain significance (1). 1 of the submissions does not count toward it. Last evaluated 2022-10-05.

Conditions:
ARHGEF28-related disorder. Also called: ARHGEF28-related condition.

Allele frequency attached by ClinVar (database versions not stated): ExAC 0.00007; gnomAD 0.00020; TOPMed 0.00025; ESP Exome Variant Server 0.00034; gnomAD exomes 0.00034.
gnomAD v4.1: 542 of 1,612,624 alleles (0.034%); highest among the groups gnomAD compares: Non-Finnish European, 0.042%; no homozygotes.

Submissions (2):

Ambry Genetics
Classification: Uncertain significance. Last evaluated: 2022-10-05. Review status: criteria provided, single submitter. Criteria: Ambry Variant Classification Scheme 2023. Collection method: clinical testing. Allele origin: germline.

PreventionGenetics, part of Exact Sciences
Classification: Likely benign for ARHGEF28-related condition. Last evaluated: 2024-05-08. Review status: no assertion criteria provided. Collection method: clinical testing. Allele origin: germline. Not counted in ClinVar's aggregate classification.
Comment: This variant is classified as likely benign based on ACMG/AMP sequence variant interpretation guidelines (Richards et al. 2015 PMID: 25741868, with internal and published modifications).